The following is an entry in ClinVar:

NM_000208.4(INSR):c.2327C>T (p.Thr776Met)

Gene: INSR (insulin receptor; minus strand). Cytogenetic location: 19p13.2.
Variant type: single nucleotide variant.
Coding change: c.2327C>T on transcript NM_000208.4 (MANE Select); coding-DNA position 2327, C replaced by T.
Protein change: p.Thr776Met; replaces threonine 776 with methionine.
Molecular consequence: missense variant.
Genome position (GRCh38, 1-based): chr19:7,143,031, G>A on the plus strand (C>T on the coding strand, the complement: INSR is on the minus strand). VCF-style: chr19-7143031-G-A. GRCh37 (hg19) VCF-style: chr19-7143042-G-A.
Other names: c.2291C>T, p.Thr764Met (NM_001079817.3); c.2327C>T (NM_000208.2); short protein forms T776M, T764M.
Identifiers: ClinVar variation 597990 (VCV000597990.6), dbSNP rs377048253, ClinGen allele CA9135574.

ClinVar aggregate classification (germline): Uncertain significance. Review status: criteria provided, multiple submitters, no conflicts (2 of 4 stars). 2 submissions from 2 submitters: Uncertain significance (2). Last evaluated 2025-04-26.

Allele frequency attached by ClinVar (database versions not stated): gnomAD 0.00001; gnomAD exomes 0.00002; TOPMed 0.00003; ESP Exome Variant Server 0.00008; ExAC 0.00002.
gnomAD v4.1: 33 of 1,614,090 alleles (0.002%); highest among the groups gnomAD compares: South Asian, 0.0055%; no homozygotes.

Submissions (2):

GeneDx
Classification: Uncertain significance. Last evaluated: 2025-04-26. Review status: criteria provided, single submitter. Criteria: GeneDx Variant Classification Process June 2021. Collection method: clinical testing. Allele origin: germline. Affected: yes.
Comment: In silico analysis indicates that this missense variant does not alter protein structure/function; Has not been previously published as pathogenic or benign to our knowledge

Eurofins Ntd Llc (ga)
Classification: Uncertain significance. Last evaluated: 2018-07-23. Review status: criteria provided, single submitter. Criteria: EGL ClinVar v180209 classification definitions. Collection method: clinical testing. Allele origin: germline. Observed: 1 variant allele, 1 heterozygote.